The following is an entry in ClinVar:

ClinVar aggregate classification (germline): Uncertain significance. Review status: criteria provided, multiple submitters, no conflicts (2 of 4 stars). 2 submissions from 2 submitters: Uncertain significance (2). Last evaluated 2023-11-02.

Conditions:
Familial hypercholesterolemia. Also called: Familial hypercholesterolemias; Familial hypercholesterolaemia. Identifiers: MedGen C0020445, MONDO:0005439.
Hypercholesterolemia, autosomal dominant, 3 (FHCL3). Also called: Familial hypercholesterolemia 3; Familial Hypercholesterolemia, Autosomal Dominant, 3; PCSK9-Related Familial Hypercholesterolemia, Autosomal Dominant. Identifiers: MedGen C1863551, MONDO:0011369, OMIM 603776.

Allele frequency attached by ClinVar (database versions not stated): TOPMed 0.00001.
gnomAD v4.1: 7 of 1,613,002 alleles (0.00043%); highest among the groups gnomAD compares: Admixed American, 0.0083%; no homozygotes.

Submissions (2):

All of Us Research Program, National Institutes of Health
Classification: Uncertain significance for Hypercholesterolemia, autosomal dominant, 3. Last evaluated: 2023-11-02. Review status: criteria provided, single submitter. Criteria: ACMG Guidelines, 2015. Collection method: clinical testing. Allele origin: germline. Inheritance: Autosomal dominant inheritance. Observed: 2 variant alleles, 2 heterozygotes.
Comment: This missense variant replaces threonine with asparagine at codon 264 of the PCSK9 protein. Computational prediction suggests that this variant may not impact protein structure and function (internally defined REVEL score threshold <= 0.5, PMID: 27666373). To our knowledge, functional studies have not been reported for this variant. This variant has not been reported in individuals affected with familial hypercholesterolemia in the literature. This variant has been identified in 3/247838 chromosomes in the general population by the Genome Aggregation Database (gnomAD). The available evidence is insufficient to determine the role of this variant in disease conclusively. Therefore, this variant is classified as a Variant of Uncertain Significance.

This study involves interpretation of variants in research participants for the purpose of population health screening. Participant phenotype was not available at the time of variant classification. Additional details can be found in publication PMID: 35346344, PMCID: PMC8962531

Color Diagnostics, LLC DBA Color Health
Classification: Uncertain significance for Familial hypercholesterolemia. Last evaluated: 2023-10-12. Review status: criteria provided, single submitter. Criteria: ACMG Guidelines, 2015. Collection method: clinical testing. Allele origin: germline.
Comment: This missense variant replaces threonine with asparagine at codon 264 of the PCSK9 protein. Computational prediction suggests that this variant may not impact protein structure and function (internally defined REVEL score threshold <= 0.5, PMID: 27666373). To our knowledge, functional studies have not been reported for this variant. This variant has not been reported in individuals affected with familial hypercholesterolemia in the literature. This variant has been identified in 3/247838 chromosomes in the general population by the Genome Aggregation Database (gnomAD). The available evidence is insufficient to determine the role of this variant in disease conclusively. Therefore, this variant is classified as a Variant of Uncertain Significance.

NM_174936.4(PCSK9):c.791C>A (p.Thr264Asn)

Gene: PCSK9 (proprotein convertase subtilisin/kexin type 9; plus strand). Cytogenetic location: 1p32.3.
Variant type: single nucleotide variant.
Coding change: c.791C>A on transcript NM_174936.4 (MANE Select); coding-DNA position 791, C replaced by A.
Protein change: p.Thr264Asn; replaces threonine 264 with asparagine.
Molecular consequence: missense variant.
Genome position (GRCh38, 1-based): chr1:55,052,783, C>A. VCF-style: chr1-55052783-C-A. GRCh37 (hg19) VCF-style: chr1-55518456-C-A.
Other names: c.914C>A, p.Thr305Asn (NM_001407240.1); c.791C>A, p.Thr264Asn (NM_001407241.1, NM_001407244.1, NM_001407247.1); c.794C>A, p.Thr265Asn (NM_001407242.1); c.734C>A, p.Thr245Asn (NM_001407243.1); c.599C>A, p.Thr200Asn (NM_001407245.1); c.416C>A, p.Thr139Asn (NM_001407246.1); short protein forms T264N, T265N, T200N, T139N, T305N, T245N.
Identifiers: ClinVar variation 920355 (VCV000920355.7), dbSNP rs201789841, ClinGen allele CA044459.